The following is an entry in ClinVar:

ClinVar aggregate classification (germline): Uncertain significance (1 of 4 stars; one submission).

Conditions:
Werner syndrome (WRN). Identifiers: Orphanet 902, MedGen C0043119, MONDO:0010196, OMIM 277700.

Allele frequency attached by ClinVar (database versions not stated): TOPMed 0.00001.

Submission:

Labcorp Genetics (formerly Invitae), Labcorp
Classification: Uncertain significance for Werner syndrome. Last evaluated: 2023-09-04. Review status: criteria provided, single submitter. Criteria: Invitae Variant Classification Sherloc (09022015). Collection method: clinical testing. Allele origin: germline.
Comment: This variant has not been reported in the literature in individuals affected with WRN-related conditions. This sequence change replaces alanine, which is neutral and non-polar, with threonine, which is neutral and polar, at codon 1176 of the WRN protein (p.Ala1176Thr). This variant is not present in population databases (gnomAD no frequency). ClinVar contains an entry for this variant (Variation ID: 836091). An algorithm developed to predict the effect of missense changes on protein structure and function (PolyPhen-2) suggests that this variant is likely to be disruptive. In summary, the available evidence is currently insufficient to determine the role of this variant in disease. Therefore, it has been classified as a Variant of Uncertain Significance.

NM_000553.6(WRN):c.3526G>A (p.Ala1176Thr)

Gene: WRN (WRN RecQ like helicase; plus strand). Cytogenetic location: 8p12.
Variant type: single nucleotide variant.
Coding change: c.3526G>A on transcript NM_000553.6 (MANE Select); coding-DNA position 3526, G replaced by A.
Protein change: p.Ala1176Thr; replaces alanine 1176 with threonine.
Molecular consequence: missense variant.
Genome position (GRCh38, 1-based): chr8:31,147,430, G>A. VCF-style: chr8-31147430-G-A. GRCh37 (hg19) VCF-style: chr8-31004946-G-A.
Other names: short protein forms A1176T.
Identifiers: ClinVar variation 836091 (VCV000836091.6), dbSNP rs1585522638, ClinGen allele CA370925898.